The following is an entry in ClinVar:

NM_201384.3(PLEC):c.12691G>A (p.Glu4231Lys)

Gene: PLEC (plectin; minus strand). Cytogenetic location: 8q24.3.
Variant type: single nucleotide variant.
Coding change: c.12691G>A on transcript NM_201384.3 (MANE Select); coding-DNA position 12691, G replaced by A.
Protein change: p.Glu4231Lys; replaces glutamic acid 4231 with lysine.
Molecular consequence: missense variant.
Genome position (GRCh38, 1-based): chr8:143,917,130, C>T on the plus strand (G>A on the coding strand, the complement: PLEC is on the minus strand). VCF-style: chr8-143917130-C-T. GRCh37 (hg19) VCF-style: chr8-144991298-C-T.
Other names: c.12772G>A, p.Glu4258Lys (NM_000445.5); c.12649G>A, p.Glu4217Lys (NM_201378.4); c.12625G>A, p.Glu4209Lys (NM_201379.3); c.13102G>A, p.Glu4368Lys (NM_201380.4); c.12595G>A, p.Glu4199Lys (NM_201381.3); c.12691G>A, p.Glu4231Lys (NM_201382.4); c.12703G>A, p.Glu4235Lys (NM_201383.3); short protein forms E4231K, E4209K, E4217K, E4235K, E4258K, E4368K, E4199K.
Identifiers: ClinVar variation 471536 (VCV000471536.9), dbSNP rs782341944, ClinGen allele CA4924009.

ClinVar aggregate classification (germline): Uncertain significance (1 of 4 stars; one submission).

Conditions:
Epidermolysis bullosa simplex with nail dystrophy (EBS5D). Identifiers: MedGen C4225309, MONDO:0014661, OMIM 616487.
Epidermolysis bullosa simplex, Ogna type (EBS5A). Also called: Pidermolysis bullosa simplex 5A, Ogna type; EPIDERMOLYSIS BULLOSA SIMPLEX 5A, OGNA TYPE. Identifiers: Orphanet 79401, MedGen C0432317, MONDO:0007555, OMIM 131950.
Autosomal recessive limb-girdle muscular dystrophy type 2Q (LGMDR17). Also called: MUSCULAR DYSTROPHY, LIMB-GIRDLE, AUTOSOMAL RECESSIVE 17. Identifiers: Orphanet 254361, MedGen C3150989, MONDO:0013390, OMIM 613723.
Epidermolysis bullosa simplex 5C, with pyloric atresia (EBS5C). Also called: PLEC-Related Epidermolysis Bullosa with Pyloric Atresia; Epidermolysis bullosa simplex with pyloric atresia; PLEC1-Related Epidermolysis Bullosa with Pyloric Atresia. Identifiers: Orphanet 158684, MedGen C2677349, MONDO:0012807, OMIM 612138.
Epidermolysis bullosa simplex 5B, with muscular dystrophy (EBS5B). Also called: EPIDERMOLYSIS BULLOSA SIMPLEX AND LIMB-GIRDLE MUSCULAR DYSTROPHY; Epidermolysis bullosa simplex with muscular dystrophy. Identifiers: Orphanet 257, MedGen C2931072, MONDO:0009181, OMIM 226670.

Allele frequency attached by ClinVar (database versions not stated): gnomAD exomes 0.00001 and 0.00003; ExAC 0.00005.
gnomAD v4.1: 22 of 1,604,324 alleles (0.0014%); highest among the groups gnomAD compares: Non-Finnish European, 0.0017%; no homozygotes.

Submission:

Labcorp Genetics (formerly Invitae), Labcorp
Classification: Uncertain significance for Autosomal recessive limb-girdle muscular dystrophy type 2Q; Epidermolysis bullosa simplex, Ogna type; Epidermolysis bullosa simplex with nail dystrophy; Epidermolysis bullosa simplex 5C, with pyloric atresia; Epidermolysis bullosa simplex 5B, with muscular dystrophy. Last evaluated: 2021-02-21. Review status: criteria provided, single submitter. Criteria: Invitae Variant Classification Sherloc (09022015). Collection method: clinical testing. Allele origin: germline.
Comment: This sequence change replaces glutamic acid with lysine at codon 4258 of the PLEC protein (p.Glu4258Lys). The glutamic acid residue is highly conserved and there is a small physicochemical difference between glutamic acid and lysine. This variant is present in population databases (rs782341944, ExAC 0.009%) but has not been reported in the literature in individuals with a PLEC-related disease. Algorithms developed to predict the effect of missense changes on protein structure and function (SIFT, PolyPhen-2, Align-GVGD) all suggest that this variant is likely to be disruptive, but these predictions have not been confirmed by published functional studies. In summary, this variant is a rare missense change with uncertain impact on protein function. There is no indication that it causes disease, but the available evidence is currently insufficient to prove that conclusively. Therefore, it has been classified as a Variant of Uncertain Significance.